The following is an entry in ClinVar:

ClinVar aggregate classification (germline): Uncertain significance (1 of 4 stars; one submission).

Conditions:
POLD1-related polyposis and colorectal cancer syndrome (CRCS10). Also called: Colorectal cancer 10; COLORECTAL CANCER, SUSCEPTIBILITY TO, ON CHROMOSOME 19q; Colorectal cancer, susceptibility to, 10. Identifiers: Orphanet 220460, MedGen C2675481, MONDO:0012953, OMIM 612591.

Submission:

Labcorp Genetics (formerly Invitae), Labcorp
Classification: Uncertain significance for POLD1-related polyposis and colorectal cancer syndrome. Last evaluated: 2025-10-26. Review status: criteria provided, single submitter. Criteria: Invitae Variant Classification Sherloc (09022015). Collection method: clinical testing. Allele origin: germline.
Comment: This sequence change replaces glycine, which is neutral and non-polar, with aspartic acid, which is acidic and polar, at codon 8 of the POLD1 protein (p.Gly8Asp). This variant is not present in population databases (gnomAD no frequency). This variant has not been reported in the literature in individuals affected with POLD1-related conditions. ClinVar contains an entry for this variant (Variation ID: 1903260). Experimental studies and prediction algorithms are not available or were not evaluated, and the functional significance of this variant is currently unknown. In summary, the available evidence is currently insufficient to determine the role of this variant in disease. Therefore, it has been classified as a Variant of Uncertain Significance.

NM_002691.4(POLD1):c.23G>A (p.Gly8Asp)

Gene: POLD1 (DNA polymerase delta 1, catalytic subunit; plus strand). Cytogenetic location: 19q13.33.
Variant type: single nucleotide variant.
Coding change: c.23G>A on transcript NM_002691.4 (MANE Select); coding-DNA position 23, G replaced by A.
Protein change: p.Gly8Asp; replaces glycine 8 with aspartic acid.
Molecular consequence: missense variant. On other transcripts: non-coding transcript variant (1).
Genome position (GRCh38, 1-based): chr19:50,398,874, G>A. VCF-style: chr19-50398874-G-A. GRCh37 (hg19) VCF-style: chr19-50902131-G-A.
Other names: c.23G>A, p.Gly8Asp (NM_001256849.1, NM_001308632.1); short protein forms G8D.
Identifiers: ClinVar variation 1903260 (VCV001903260.5), dbSNP rs2513932021, ClinGen allele CA406969993.